The following is an entry in ClinVar:

Single allele

Variant type: Duplication.
Identifiers: ClinVar variation 559452 (VCV000559452.3).

ClinVar aggregate classification (germline): Pathogenic (1 of 4 stars; one submission).

Submission:

Geisinger Autism and Developmental Medicine Institute, Geisinger Health System
Classification: Pathogenic. Last evaluated: 2018-04-03. Review status: criteria provided, single submitter. Criteria: ACMG CNV Guidelines, 2011. Collection method: provider interpretation. Allele origin: unknown.
Comment: X-inactivation analysis showed 84:16 ratio, consistent with moderate skewing.